The following is an entry in ClinVar:

ClinVar aggregate classification (germline): Uncertain significance. Review status: criteria provided, multiple submitters, no conflicts (2 of 4 stars). 5 submissions from 5 submitters: Uncertain significance (5). Last evaluated 2025-02-21.

Conditions:
Inborn genetic diseases. Identifiers: MedGen C0950123, MeSH D030342.
Leukoencephalopathy with brain stem and spinal cord involvement-high lactate syndrome (LBSL). Also called: MITOCHONDRIAL ASPARTYL-tRNA SYNTHETASE DEFICIENCY; Leukoencephalopathy with Brainstem and Spinal Cord Involvement and Lactate Elevation; LEUKOENCEPHALOPATHY WITH BRAINSTEM AND SPINAL CORD INVOLVEMENT AND LACTATE ELEVATION, MILD. Identifiers: Orphanet 137898, MedGen C1970180, MONDO:0012622, OMIM 611105.

Allele frequency attached by ClinVar (database versions not stated): ExAC 0.00002; gnomAD exomes 0.00004 and 0.00024; TOPMed 0.00008; gnomAD 0.00010 and 0.00011; ESP Exome Variant Server 0.00015.
gnomAD v4.1: 362 of 1,613,796 alleles (0.022%); highest among the groups gnomAD compares: Non-Finnish European, 0.029%; no homozygotes.

Submissions (5):

GeneDx
Classification: Uncertain significance. Last evaluated: 2025-02-21. Review status: criteria provided, single submitter. Criteria: GeneDx Variant Classification Process June 2021. Collection method: clinical testing. Allele origin: germline. Affected: yes.
Comment: Not observed at significant frequency in large population cohorts (gnomAD); In silico analysis indicates that this missense variant does not alter protein structure/function; Has not been previously published as pathogenic or benign to our knowledge

Labcorp Genetics (formerly Invitae), Labcorp
Classification: Uncertain significance. Last evaluated: 2024-10-25. Review status: criteria provided, single submitter. Criteria: Invitae Variant Classification Sherloc (09022015). Collection method: clinical testing. Allele origin: germline.
Comment: This sequence change replaces arginine, which is basic and polar, with glycine, which is neutral and non-polar, at codon 31 of the DARS2 protein (p.Arg31Gly). This variant is present in population databases (rs140881109, gnomAD 0.009%). This variant has not been reported in the literature in individuals affected with DARS2-related conditions. ClinVar contains an entry for this variant (Variation ID: 1397631). An algorithm developed to predict the effect of missense changes on protein structure and function (PolyPhen-2) suggests that this variant is likely to be tolerated. In summary, the available evidence is currently insufficient to determine the role of this variant in disease. Therefore, it has been classified as a Variant of Uncertain Significance.

Genome-Nilou Lab
Classification: Uncertain significance for Leukoencephalopathy with brain stem and spinal cord involvement-high lactate syndrome. Last evaluated: 2023-04-11. Review status: criteria provided, single submitter. Criteria: ACMG Guidelines, 2015. Collection method: clinical testing. Allele origin: germline. Affected: no.

Blueprint Genetics
Classification: Uncertain significance. Last evaluated: 2023-03-30. Review status: criteria provided, single submitter. Criteria: ACMG Guidelines, 2015. Collection method: clinical testing. Allele origin: germline.

Ambry Genetics
Classification: Uncertain significance for Inborn genetic diseases. Last evaluated: 2021-06-17. Review status: criteria provided, single submitter. Criteria: Ambry Variant Classification Scheme 2023. Collection method: clinical testing. Allele origin: germline.

NM_018122.5(DARS2):c.91A>G (p.Arg31Gly)

Gene: DARS2 (aspartyl-tRNA synthetase 2, mitochondrial; plus strand). Cytogenetic location: 1q25.1.
Variant type: single nucleotide variant.
Coding change: c.91A>G on transcript NM_018122.5 (MANE Select); coding-DNA position 91, A replaced by G.
Protein change: p.Arg31Gly; replaces arginine 31 with glycine.
Molecular consequence: missense variant.
Genome position (GRCh38, 1-based): chr1:173,825,320, A>G. VCF-style: chr1-173825320-A-G. GRCh37 (hg19) VCF-style: chr1-173794458-A-G.
Other names: c.91A>G, p.Arg31Gly (NM_001365212.1, NM_001365213.2); short protein forms R31G.
Identifiers: ClinVar variation 1397631 (VCV001397631.13), dbSNP rs140881109, ClinGen allele CA1249977.